The following is an entry in ClinVar:

NM_000540.3(RYR1):c.6814C>A (p.Pro2272Thr)

Gene: RYR1 (ryanodine receptor 1; plus strand). Cytogenetic location: 19q13.2.
Variant type: single nucleotide variant.
Coding change: c.6814C>A on transcript NM_000540.3 (MANE Select); coding-DNA position 6814, C replaced by A.
Protein change: p.Pro2272Thr; replaces proline 2272 with threonine.
Molecular consequence: missense variant.
Genome position (GRCh38, 1-based): chr19:38,496,877, C>A. VCF-style: chr19-38496877-C-A. GRCh37 (hg19) VCF-style: chr19-38987517-C-A.
Other names: c.6814C>A, p.Pro2272Thr (NM_001042723.2); short protein forms P2272T.
Identifiers: ClinVar variation 852184 (VCV000852184.7), dbSNP rs777460436, ClinGen allele CA405666488.

ClinVar aggregate classification (germline): Uncertain significance (1 of 4 stars; one submission).

Conditions:
RYR1-related disorder. Also called: RYR1-related disorders; RYR1-related condition. Identifiers: MedGen CN239331.

gnomAD v4.1: 2 of 1,613,480 alleles (0.00012%); highest among the groups gnomAD compares: Non-Finnish European, 0.00017%; no homozygotes.

Submission:

Labcorp Genetics (formerly Invitae), Labcorp
Classification: Uncertain significance for RYR1-related disorder. Last evaluated: 2021-08-30. Review status: criteria provided, single submitter. Criteria: Invitae Variant Classification Sherloc (09022015). Collection method: clinical testing. Allele origin: germline.
Comment: This sequence change replaces proline with threonine at codon 2272 of the RYR1 protein (p.Pro2272Thr). The proline residue is highly conserved and there is a small physicochemical difference between proline and threonine. This variant is not present in population databases (ExAC no frequency). This variant has not been reported in the literature in individuals affected with RYR1-related conditions. Algorithms developed to predict the effect of missense changes on protein structure and function are either unavailable or do not agree on the potential impact of this missense change (SIFT: "Deleterious"; PolyPhen-2: "Benign"; Align-GVGD: "Class C0"). In summary, the available evidence is currently insufficient to determine the role of this variant in disease. Therefore, it has been classified as a Variant of Uncertain Significance.